The following is an entry in ClinVar:

NM_173660.5(DOK7):c.1268A>G (p.Gln423Arg)

Gene: DOK7 (docking protein 7; plus strand). Cytogenetic location: 4p16.3.
Variant type: single nucleotide variant.
Coding change: c.1268A>G on transcript NM_173660.5 (MANE Select); coding-DNA position 1268, A replaced by G.
Protein change: p.Gln423Arg; replaces glutamine 423 with arginine.
Molecular consequence: missense variant. On other transcripts: 3 prime UTR variant (1).
Genome position (GRCh38, 1-based): chr4:3,493,254, A>G. VCF-style: chr4-3493254-A-G. GRCh37 (hg19) VCF-style: chr4-3494981-A-G.
Other names: c.*489A>G (NM_001164673.2); c.338A>G, p.Gln113Arg (NM_001256896.2); c.1268A>G, p.Gln423Arg (NM_001301071.2); c.836A>G, p.Gln279Arg (NM_001363811.2); short protein forms Q423R, Q113R, Q279R.
Identifiers: ClinVar variation 432890 (VCV000432890.9), dbSNP rs756360879, ClinGen allele CA2829440.

ClinVar aggregate classification (germline): Uncertain significance. Review status: criteria provided, multiple submitters, no conflicts (2 of 4 stars). 3 submissions from 3 submitters: Uncertain significance (3). Last evaluated 2025-08-04.

Conditions:
Fetal akinesia deformation sequence 1 (FADS1). Also called: Fetal akinesia sequence; Pena-Shokeir syndrome type I. Identifiers: Orphanet 994, MedGen C1276035, MONDO:0100101, OMIM 208150, HP:0001989.
Congenital myasthenic syndrome 10. Also called: Myasthenia, limb-girdle, familial. Identifiers: Orphanet 590, MedGen C1850792, MONDO:0009690, OMIM 254300.
Inborn genetic diseases. Identifiers: MedGen C0950123, MeSH D030342.

Allele frequency attached by ClinVar (database versions not stated): ExAC 0.00001; gnomAD 0.00001; gnomAD exomes 0.00001; TOPMed 0.00002.
gnomAD v4.1: 16 of 1,611,638 alleles (0.00099%); highest among the groups gnomAD compares: African/African-American, 0.0013%; no homozygotes.

Submissions (3):

Ambry Genetics
Classification: Uncertain significance for Inborn genetic diseases. Last evaluated: 2025-08-04. Review status: criteria provided, single submitter. Criteria: Ambry Variant Classification Scheme 2023. Collection method: clinical testing. Allele origin: germline.

Labcorp Genetics (formerly Invitae), Labcorp
Classification: Uncertain significance for Congenital myasthenic syndrome 10; Fetal akinesia deformation sequence 1. Last evaluated: 2022-06-01. Review status: criteria provided, single submitter. Criteria: Invitae Variant Classification Sherloc (09022015). Collection method: clinical testing. Allele origin: germline.
Comment: This sequence change replaces glutamine, which is neutral and polar, with arginine, which is basic and polar, at codon 423 of the DOK7 protein (p.Gln423Arg). This variant is present in population databases (rs756360879, gnomAD 0.003%). This variant has not been reported in the literature in individuals affected with DOK7-related conditions. ClinVar contains an entry for this variant (Variation ID: 432890). Algorithms developed to predict the effect of missense changes on protein structure and function output the following: SIFT: "Tolerated"; PolyPhen-2: "Benign"; Align-GVGD: "Class C0". The arginine amino acid residue is found in multiple mammalian species, which suggests that this missense change does not adversely affect protein function. In summary, the available evidence is currently insufficient to determine the role of this variant in disease. Therefore, it has been classified as a Variant of Uncertain Significance.

GeneDx
Classification: Uncertain significance. Last evaluated: 2017-06-21. Review status: criteria provided, single submitter. Criteria: GeneDx Variant Classification (06012015). Collection method: clinical testing. Allele origin: germline. Affected: yes.
Comment: A variant of uncertain significance has been identified in the DOK7 gene. The Q423R variant has not been published as a pathogenic variant, nor has it been reported as a benign variant to our knowledge. The Q423R variant is not observed at a significant frequency in large population cohorts (Lek et al., 2016; 1000 Genomes Consortium et al., 2015; Exome Variant Server). The Q423R variant is a semi-conservative amino acid substitution, which may impact secondary protein structure as these residues differ in some properties. This substitution occurs at a position that is not conserved and in silico analysis predicts this variant likely does not alter the protein structure/function. Therefore, based on the currently available information, it is unclear whether this variant is a pathogenic variant or a rare benign variant.